The following is an entry in ClinVar:

ClinVar aggregate classification (germline): Pathogenic. Review status: criteria provided, multiple submitters, no conflicts (2 of 4 stars). 2 submissions from 2 submitters: Pathogenic (2). Last evaluated 2023-07-26.

Conditions:
Progressive pseudorheumatoid dysplasia (PPRD). Also called: Progressive Pseudorheumatoid Arthropathy of Childhood; SPONDYLOEPIPHYSEAL DYSPLASIA TARDA WITH PROGRESSIVE ARTHROPATHY. Identifiers: Orphanet 1159, MedGen C0432215, MONDO:0008827, OMIM 208230. Disease mechanism: loss of function.

Allele frequency attached by ClinVar (database versions not stated): TOPMed 0.00001.

Submissions (2):

Labcorp Genetics (formerly Invitae), Labcorp
Classification: Pathogenic. Last evaluated: 2023-07-26. Review status: criteria provided, single submitter. Criteria: Invitae Variant Classification Sherloc (09022015). Collection method: clinical testing. Allele origin: germline.
Comment: This sequence change creates a premature translational stop signal (p.Trp50*) in the WISP3 gene. It is expected to result in an absent or disrupted protein product. Loss-of-function variants in WISP3 are known to be pathogenic (PMID: 22791401). This variant is not present in population databases (gnomAD no frequency). This variant has not been reported in the literature in individuals affected with WISP3-related conditions. ClinVar contains an entry for this variant (Variation ID: 1685603). For these reasons, this variant has been classified as Pathogenic.

Mendelics
Classification: Pathogenic for Progressive pseudorheumatoid dysplasia. Last evaluated: 2022-05-04. Review status: criteria provided, single submitter. Criteria: Mendelics Assertion Criteria 2019. Collection method: clinical testing. Allele origin: germline.

Literature cited by the submitters: PubMed 22791401 (cited by Labcorp Genetics (formerly Invitae), Labcorp).

NM_198239.2(CCN6):c.149G>A (p.Trp50Ter)

Gene: CCN6 (cellular communication network factor 6; plus strand). Cytogenetic location: 6q21.
Variant type: single nucleotide variant.
Coding change: c.149G>A on transcript NM_198239.2 (MANE Select); coding-DNA position 149, G replaced by A.
Protein change: p.Trp50Ter; replaces tryptophan 50 with a stop codon.
Molecular consequence: nonsense. On other transcripts: non-coding transcript variant (2).
Genome position (GRCh38, 1-based): chr6:112,061,091, G>A. VCF-style: chr6-112061091-G-A. GRCh37 (hg19) VCF-style: chr6-112382294-G-A.
Other names: c.149G>A, p.Trp50Ter (NM_003880.4); short protein forms W50*.
Identifiers: ClinVar variation 1685603 (VCV001685603.4), dbSNP rs927750682, ClinGen allele CA144880770.